The following is an entry in ClinVar:

NM_001009944.3(PKD1):c.2317dup (p.Ala773fs)

Gene: PKD1 (polycystin 1, transient receptor potential channel interacting; minus strand). Cytogenetic location: 16p13.3.
Variant type: Duplication.
Coding change: c.2317dup on transcript NM_001009944.3 (MANE Select); coding-DNA position 2317, one base duplicated (G; older notation c.2317dupG).
Protein change: p.Ala773fs; shifts the reading frame from alanine 773.
Molecular consequence: frameshift variant.
Genome position (GRCh38, 1-based): chr16:2,114,706, C duplicated on the plus strand (G on the coding strand, the reverse complement: PKD1 is on the minus strand). VCF-style (leftmost placement, unchanged base first): chr16-2114705-G-GC. GRCh37 (hg19) VCF-style: chr16-2164706-G-GC.
Other names: c.2317dup, p.Ala773fs (NM_000296.4); short protein forms A773fs.
Identifiers: ClinVar variation 4531583 (VCV004531583.1).

ClinVar aggregate classification (germline): Pathogenic (1 of 4 stars; one submission).

Conditions:
Polycystic kidney disease, adult type (PKD1). Also called: Polycystic Kidney, Autosomal Dominant; POLYCYSTIC KIDNEY DISEASE, ADULT, TYPE I; Polycystic Kidney Disease 1, Autosomal Dominant; Polycystic kidney disease 1; Polycystic kidney disease 1, severe; POLYCYSTIC KIDNEY DISEASE 1 WITH OR WITHOUT POLYCYSTIC LIVER DISEASE. Identifiers: MedGen C3149841, MONDO:0008263, OMIM 173900.

Submission:

Victorian Clinical Genetics Services, Murdoch Childrens Research Institute
Classification: Pathogenic for Polycystic kidney disease, adult type. Last evaluated: 2025-06-25. Review status: criteria provided, single submitter. Criteria: ACMG Guidelines, 2015. Collection method: clinical testing. Allele origin: germline. Affected: yes.
Comment: This variant is classified as Pathogenic. Evidence in support of pathogenic classification: Variant is predicted to cause nonsense-mediated decay (NMD) and loss of protein (premature termination codon is located at least 54 nucleotides upstream of the final exon-exon junction); Variant is absent from gnomAD (v2, v3 and v4); Other NMD-predicted variants comparable to the one identified in this case have very strong previous evidence for pathogenicity (DECIPHER). Additional information: This variant is heterozygous; This gene is associated with autosomal dominant disease. Polycystic kidney disease 1 (MIM#173900) is predominantly caused by monoallelic variants, with rare reports of biallelic variants causing disease (OMIM); This variant has no previous evidence of pathogenicity; No published segregation evidence has been identified for this variant; No published functional evidence has been identified for this variant; Loss of function is a known mechanism of disease in this gene and is associated with polycystic kidney disease 1 (MIM#173900); Inheritance information for this variant is not currently available in this individual.